The following is an entry in ClinVar:

ClinVar aggregate classification (germline): Uncertain significance (1 of 4 stars; one submission).

Conditions:
Inborn genetic diseases. Identifiers: MedGen C0950123, MeSH D030342.

Submission:

Ambry Genetics
Classification: Uncertain significance for Inborn genetic diseases. Last evaluated: 2025-08-15. Review status: criteria provided, single submitter. Criteria: Ambry Variant Classification Scheme 2023. Collection method: clinical testing. Allele origin: germline.
Comment: The p.C12S variant (also known as c.34T>A), located in coding exon 1 of the FANCG gene, results from a T to A substitution at nucleotide position 34. The cysteine at codon 12 is replaced by serine, an amino acid with dissimilar properties. This amino acid position is conserved. In addition, this alteration is predicted to be tolerated by in silico analysis. Based on the available evidence, the clinical significance of this variant remains unclear.

NM_004629.2(FANCG):c.34T>A (p.Cys12Ser)

Gene: FANCG (FA complementation group G; minus strand). Cytogenetic location: 9p13.3.
Variant type: single nucleotide variant.
Coding change: c.34T>A on transcript NM_004629.2 (MANE Select); coding-DNA position 34, T replaced by A.
Protein change: p.Cys12Ser; replaces cysteine 12 with serine.
Molecular consequence: missense variant.
Genome position (GRCh38, 1-based): chr9:35,079,491, A>T on the plus strand (T>A on the coding strand, the complement: FANCG is on the minus strand). VCF-style: chr9-35079491-A-T. GRCh37 (hg19) VCF-style: chr9-35079488-A-T.
Other names: short protein forms C12S.
Identifiers: ClinVar variation 4254476 (VCV004254476.1).